The following is an entry in ClinVar:

NM_206965.2(FTCD):c.469G>A (p.Asp157Asn)

Genes: FTCD (formimidoyltransferase cyclodeaminase; minus strand), FTCD-AS1 (FTCD antisense RNA 1; plus strand). Cytogenetic location: 21q22.3.
Variant type: single nucleotide variant.
Coding change: c.469G>A on transcript NM_206965.2 (MANE Select); coding-DNA position 469, G replaced by A.
Protein change: p.Asp157Asn; replaces aspartic acid 157 with asparagine.
Molecular consequence: missense variant.
Genome position (GRCh38, 1-based): chr21:46,151,725, C>T on the plus strand (G>A on the coding strand, the complement: FTCD is on the minus strand). VCF-style: chr21-46151725-C-T. GRCh37 (hg19) VCF-style: chr21-47571639-C-T.
Other names: c.469G>A, p.Asp157Asn (NM_001320412.2, NM_006657.3); short protein forms D157N.
Identifiers: ClinVar variation 657170 (VCV000657170.10), dbSNP rs532226691, ClinGen allele CA10073861.
Genomic context (GRCh38, chr21:46,151,725, plus strand): 5'-CCGTGGCCGTGGCCCCCCAACTGGGGACAAAGGAGCTGGGACCAAAGTCGGGCGCCCAGT[C>T]GGCCTGCTGGAGCTGTGAGCAAGTTCGCTCTGGGGTGAGACATCCCCCACGGGAGGGAAC-3'
Protein context (NP_996848.1, residues 147-167): EALPKKLQQA[Asp157Asn]WAPDFGPSSF

ClinVar aggregate classification (germline): Uncertain significance. Review status: criteria provided, multiple submitters, no conflicts (2 of 4 stars). 2 submissions from 2 submitters: Uncertain significance (2). Last evaluated 2025-06-24.

Conditions:
Inborn genetic diseases. Identifiers: MedGen C0950123, MeSH D030342.
Glutamate formiminotransferase deficiency. Also called: Arakawa syndrome 1; Formiminoglutamic aciduria. Identifiers: Orphanet 51208, MedGen C0268609, MONDO:0009240, OMIM 229100.

Allele frequency attached by ClinVar (database versions not stated): TOPMed 0.00013; 1000 Genomes Project 30x 0.00016.
gnomAD v4.1: 459 of 1,612,874 alleles (0.028%); highest among the groups gnomAD compares: Non-Finnish European, 0.037%; no homozygotes.

Submissions (2):

Ambry Genetics
Classification: Uncertain significance for Inborn genetic diseases. Last evaluated: 2025-06-24. Review status: criteria provided, single submitter. Criteria: Ambry Variant Classification Scheme 2023. Collection method: clinical testing. Allele origin: germline.

Labcorp Genetics (formerly Invitae), Labcorp
Classification: Uncertain significance for Glutamate formiminotransferase deficiency. Last evaluated: 2024-12-25. Review status: criteria provided, single submitter. Criteria: Invitae Variant Classification Sherloc (09022015). Collection method: clinical testing. Allele origin: germline.
Comment: This sequence change replaces aspartic acid, which is acidic and polar, with asparagine, which is neutral and polar, at codon 157 of the FTCD protein (p.Asp157Asn). This variant is present in population databases (rs532226691, gnomAD 0.01%). This variant has not been reported in the literature in individuals affected with FTCD-related conditions. ClinVar contains an entry for this variant (Variation ID: 657170). Invitae Evidence Modeling of protein sequence and biophysical properties (such as structural, functional, and spatial information, amino acid conservation, physicochemical variation, residue mobility, and thermodynamic stability) indicates that this missense variant is not expected to disrupt FTCD protein function with a negative predictive value of 80%. In summary, the available evidence is currently insufficient to determine the role of this variant in disease. Therefore, it has been classified as a Variant of Uncertain Significance.